The following is an entry in ClinVar:

NM_002296.4(LBR):c.405G>T (p.Glu135Asp)

Gene: LBR (lamin B receptor; minus strand). Cytogenetic location: 1q42.12.
Variant type: single nucleotide variant.
Coding change: c.405G>T on transcript NM_002296.4 (MANE Select); coding-DNA position 405, G replaced by T.
Protein change: p.Glu135Asp; replaces glutamic acid 135 with aspartic acid.
Molecular consequence: missense variant.
Genome position (GRCh38, 1-based): chr1:225,419,760, C>A on the plus strand (G>T on the coding strand, the complement: LBR is on the minus strand). VCF-style: chr1-225419760-C-A. GRCh37 (hg19) VCF-style: chr1-225607462-C-A.
Other names: c.405G>T, p.Glu135Asp (NM_194442.3); short protein forms E135D.
Identifiers: ClinVar variation 2814520 (VCV002814520.3), dbSNP rs1485232908, ClinGen allele CA345000585.
Genomic context (GRCh38, chr1:225,419,760, plus strand): 5'-GGAACACTTTCCCACCTGTGTATTTTTATGAGGTGCGTCATTTCTCTCAATATGCTCAGG[C>A]TCCCCATTATATCTGCTGATGCTATTTCCAAATGGCTTCTAAATTGAAGAATATAAACAT-3'
Protein context (NP_002287.2, residues 125-145): FGNSISRYNG[Glu135Asp]PEHIERNDAP

ClinVar aggregate classification (germline): Uncertain significance (1 of 4 stars; one submission).

Submission:

Labcorp Genetics (formerly Invitae), Labcorp
Classification: Uncertain significance. Last evaluated: 2022-12-03. Review status: criteria provided, single submitter. Criteria: Invitae Variant Classification Sherloc (09022015). Collection method: clinical testing. Allele origin: germline.
Comment: In summary, the available evidence is currently insufficient to determine the role of this variant in disease. Therefore, it has been classified as a Variant of Uncertain Significance. Advanced modeling of protein sequence and biophysical properties (such as structural, functional, and spatial information, amino acid conservation, physicochemical variation, residue mobility, and thermodynamic stability) performed at Invitae indicates that this missense variant is not expected to disrupt LBR protein function. This variant has not been reported in the literature in individuals affected with LBR-related conditions. This variant is not present in population databases (gnomAD no frequency). This sequence change replaces glutamic acid, which is acidic and polar, with aspartic acid, which is acidic and polar, at codon 135 of the LBR protein (p.Glu135Asp).